The following is an entry in ClinVar:

ClinVar aggregate classification (germline): Uncertain significance. Review status: criteria provided, multiple submitters, no conflicts (2 of 4 stars). 2 submissions from 2 submitters: Uncertain significance (2). Last evaluated 2023-10-28.

gnomAD v4.1: 33 of 1,612,830 alleles (0.002%); highest among the groups gnomAD compares: Non-Finnish European, 0.0028%; no homozygotes.

Submissions (2):

Labcorp Genetics (formerly Invitae), Labcorp
Classification: Uncertain significance. Last evaluated: 2023-10-28. Review status: criteria provided, single submitter. Criteria: Invitae Variant Classification Sherloc (09022015). Collection method: clinical testing. Allele origin: germline.
Comment: This sequence change affects codon 232 of the PROSC mRNA. It is a 'silent' change, meaning that it does not change the encoded amino acid sequence of the PROSC protein. This variant also falls at the last nucleotide of exon 7, which is part of the consensus splice site for this exon. This variant is present in population databases (rs200504564, gnomAD 0.03%). This variant has not been reported in the literature in individuals affected with PROSC-related conditions. ClinVar contains an entry for this variant (Variation ID: 2190440). Variants that disrupt the consensus splice site are a relatively common cause of aberrant splicing (PMID: 17576681, 9536098). Algorithms developed to predict the effect of sequence changes on RNA splicing suggest that this variant is not likely to affect RNA splicing. In summary, the available evidence is currently insufficient to determine the role of this variant in disease. Therefore, it has been classified as a Variant of Uncertain Significance.

Blueprint Genetics
Classification: Uncertain significance. Last evaluated: 2023-08-18. Review status: criteria provided, single submitter. Criteria: ACMG Guidelines, 2015. Collection method: clinical testing. Allele origin: germline.

Literature cited by the submitters: PubMed 17576681 (cited by Labcorp Genetics (formerly Invitae), Labcorp); PubMed 9536098 (cited by Labcorp Genetics (formerly Invitae), Labcorp).

NM_007198.4(PLPBP):c.696G>T (p.Ala232=)

Gene: PLPBP (pyridoxal phosphate binding protein; plus strand). Cytogenetic location: 8p11.23.
Variant type: single nucleotide variant.
Coding change: c.696G>T on transcript NM_007198.4 (MANE Select); coding-DNA position 696, G replaced by T.
Protein change: p.Ala232=; no amino-acid change (alanine 232 retained).
Molecular consequence: synonymous variant.
Genome position (GRCh38, 1-based): chr8:37,776,016, G>T. VCF-style: chr8-37776016-G-T. GRCh37 (hg19) VCF-style: chr8-37633534-G-T.
Other names: c.726G>T, p.Ala242= (NM_001349346.2); c.690G>T, p.Ala230= (NM_001349347.2); c.540G>T, p.Ala180= (NM_001349348.2).
Identifiers: ClinVar variation 2190440 (VCV002190440.3), dbSNP rs200504564, ClinGen allele CA175040333.
Genomic context (GRCh38, chr8:37,776,016, plus strand): 5'-GAACATCCCTGCTGACCAGGTTGAGCTGAGCATGGGCATGTCCGCGGATTTCCAGCATGC[G>T]GTGAGTGTCCTGCCAGTGCCCTGTCTGCCTCGAGGGGTGGGGGTAGGGGGTCTGAGAGGC-3'
Protein context (NP_009129.1, residues 222-242): SMGMSADFQH[Ala232=]VEVGSTNVRI